The following is an entry in ClinVar:

NM_005120.3(MED12):c.629C>T (p.Ala210Val)

Gene: MED12 (mediator complex subunit 12; plus strand). Cytogenetic location: Xq13.1.
Variant type: single nucleotide variant.
Coding change: c.629C>T on transcript NM_005120.3 (MANE Select); coding-DNA position 629, C replaced by T.
Protein change: p.Ala210Val; replaces alanine 210 with valine.
Molecular consequence: missense variant.
Genome position (GRCh38, 1-based): chrX:71,121,046, C>T. VCF-style: chrX-71121046-C-T. GRCh37 (hg19) VCF-style: chrX-70340896-C-T.
Other names: c.629C>T (NM_005120.2); short protein forms A210V.
Identifiers: ClinVar variation 1984141 (VCV001984141.7), dbSNP rs1213475397, ClinGen allele CA413500706.

ClinVar aggregate classification (germline): Conflicting classifications of pathogenicity. Review status: criteria provided, conflicting classifications (1 of 4 stars). 3 submissions from 3 submitters: Uncertain significance (1); Likely benign (1). 1 of the submissions does not count toward it. Last evaluated 2024-10-09.

Conditions:
MED12-Related Disorders. Also called: MED12-related condition; MED12-related disorder. Identifiers: MedGen CN381102.
FG syndrome (FGS). Identifiers: MedGen C0220769, MONDO:0002010.

Allele frequency attached by ClinVar (database versions not stated): gnomAD exomes below 0.00001.
gnomAD v4.1: 5 of 1,211,589 alleles (0.00041%); highest among the groups gnomAD compares: Admixed American, 0.0022%; no homozygotes.

Submissions (3):

Women's Health and Genetics/Laboratory Corporation of America, LabCorp
Classification: Uncertain significance. Last evaluated: 2024-10-09. Review status: criteria provided, single submitter. Criteria: LabCorp Variant Classification Summary - May 2015. Collection method: clinical testing. Allele origin: germline.
Comment: Variant summary: MED12 c.629C>T (p.Ala210Val) results in a non-conservative amino acid change in the encoded protein sequence. Three of five in-silico tools predict a benign effect of the variant on protein function. The variant allele was found at a frequency of 1.1e-05 in 181785 control chromosomes. The available data on variant occurrences in the general population are insufficient to allow any conclusion about variant significance. To our knowledge, no occurrence of c.629C>T in individuals affected with MED12-Related Disorders and no experimental evidence demonstrating its impact on protein function have been reported. ClinVar contains an entry for this variant (Variation ID: 1984141). Based on the evidence outlined above, the variant was classified as uncertain significance.

Labcorp Genetics (formerly Invitae), Labcorp
Classification: Likely benign for FG syndrome. Last evaluated: 2022-07-06. Review status: criteria provided, single submitter. Criteria: Invitae Variant Classification Sherloc (09022015). Collection method: clinical testing. Allele origin: germline.

PreventionGenetics, part of Exact Sciences
Classification: Uncertain significance for MED12-related condition. Last evaluated: 2023-11-22. Review status: no assertion criteria provided. Collection method: clinical testing. Allele origin: germline. Not counted in ClinVar's aggregate classification.
Comment: The MED12 c.629C>T variant is predicted to result in the amino acid substitution p.Ala210Val. To our knowledge, this variant has not been reported in the literature. This variant is reported in 0.0037% of alleles in individuals of Latino descent in gnomAD. At this time, the clinical significance of this variant is uncertain due to the absence of conclusive functional and genetic evidence.